The following is an entry in ClinVar:

NM_000113.3(TOR1A):c.466C>T (p.Arg156Ter)

Gene: TOR1A (torsin family 1 member A; minus strand). Cytogenetic location: 9q34.11.
Variant type: single nucleotide variant.
Coding change: c.466C>T on transcript NM_000113.3 (MANE Select); coding-DNA position 466, C replaced by T.
Protein change: p.Arg156Ter; replaces arginine 156 with a stop codon.
Molecular consequence: nonsense.
Genome position (GRCh38, 1-based): chr9:129,818,899, G>A on the plus strand (C>T on the coding strand, the complement: TOR1A is on the minus strand). VCF-style: chr9-129818899-G-A. GRCh37 (hg19) VCF-style: chr9-132581178-G-A.
Other names: short protein forms R156*.
Identifiers: ClinVar variation 1308622 (VCV001308622.4), dbSNP rs771740989, ClinGen allele CA375199366.

ClinVar aggregate classification (germline): Conflicting classifications of pathogenicity. Review status: criteria provided, conflicting classifications (1 of 4 stars). 2 submissions from 2 submitters: Pathogenic (1); Uncertain significance (1). Last evaluated 2025-09-10.

Conditions:
Early-onset generalized limb-onset dystonia. Also called: Dystonia 1, modifier of; Oppenheim's dystonia; Dystonia-1, torsion; DYSTONIA 1, TORSION, AUTOSOMAL DOMINANT; DYSTONIA MUSCULORUM DEFORMANS 1; DYT1 Early-Onset Primary Dystonia. Identifiers: Orphanet 256, MedGen C1851945, MONDO:0007492, OMIM 128100.

Allele frequency attached by ClinVar (database versions not stated): TOPMed below 0.00001; gnomAD 0.00002.

Submissions (2):

Genomic Medicine Center of Excellence, King Faisal Specialist Hospital and Research Centre
Classification: Uncertain significance for Early-onset generalized limb-onset dystonia. Last evaluated: 2025-09-10. Review status: criteria provided, single submitter. Criteria: ACMG Guidelines, 2015. Collection method: clinical testing. Allele origin: germline.

GeneDx
Classification: Pathogenic. Last evaluated: 2024-05-29. Review status: criteria provided, single submitter. Criteria: GeneDx Variant Classification Process June 2021. Collection method: clinical testing. Allele origin: germline. Affected: yes.
Comment: Nonsense variant predicted to result in protein truncation or nonsense mediated decay in a gene for which loss of function is a known mechanism of disease; Not observed in large population cohorts (gnomAD); This variant is associated with the following publications: (PMID: 36757831)